The following is an entry in ClinVar:

ClinVar aggregate classification (germline): Uncertain significance (1 of 4 stars; one submission).

Conditions:
Tumor predisposition syndrome 3 (TPDS3). Also called: Glioma susceptibility 9; Melanoma, cutaneous malignant, susceptibility to, 10; LONG TELOMERE SYNDROME, POT1-RELATED; POT1 Tumor Predisposition. Identifiers: Orphanet 618, MedGen C4014476, MONDO:0014368, OMIM 615848.

Submission:

Labcorp Genetics (formerly Invitae), Labcorp
Classification: Uncertain significance for Tumor predisposition syndrome 3. Last evaluated: 2023-08-10. Review status: criteria provided, single submitter. Criteria: Invitae Variant Classification Sherloc (09022015). Collection method: clinical testing. Allele origin: germline.
Comment: This sequence change replaces arginine, which is basic and polar, with lysine, which is basic and polar, at codon 276 of the POT1 protein (p.Arg276Lys). This variant is not present in population databases (gnomAD no frequency). This variant has not been reported in the literature in individuals affected with POT1-related conditions. Advanced modeling of protein sequence and biophysical properties (such as structural, functional, and spatial information, amino acid conservation, physicochemical variation, residue mobility, and thermodynamic stability) performed at Invitae indicates that this missense variant is not expected to disrupt POT1 protein function. Algorithms developed to predict the effect of sequence changes on RNA splicing suggest that this variant may create or strengthen a splice site. In summary, the available evidence is currently insufficient to determine the role of this variant in disease. Therefore, it has been classified as a Variant of Uncertain Significance.

NM_015450.3(POT1):c.827G>A (p.Arg276Lys)

Gene: POT1 (protection of telomeres 1; minus strand). Cytogenetic location: 7q31.33.
Variant type: single nucleotide variant.
Coding change: c.827G>A on transcript NM_015450.3 (MANE Select); coding-DNA position 827, G replaced by A.
Protein change: p.Arg276Lys; replaces arginine 276 with lysine.
Molecular consequence: missense variant. On other transcripts: non-coding transcript variant (3).
Genome position (GRCh38, 1-based): chr7:124,853,014, C>T on the plus strand (G>A on the coding strand, the complement: POT1 is on the minus strand). VCF-style: chr7-124853014-C-T. GRCh37 (hg19) VCF-style: chr7-124493068-C-T.
Other names: c.434G>A, p.Arg145Lys (NM_001042594.2); short protein forms R276K, R145K.
Identifiers: ClinVar variation 2749508 (VCV002749508.3), dbSNP rs2116504526, ClinGen allele CA369055315.